The following is an entry in ClinVar:

NM_015338.6(ASXL1):c.2419G>T (p.Val807Phe)

Gene: ASXL1 (ASXL transcriptional regulator 1; plus strand). Cytogenetic location: 20q11.21.
Variant type: single nucleotide variant.
Coding change: c.2419G>T on transcript NM_015338.6 (MANE Select); coding-DNA position 2419, G replaced by T.
Protein change: p.Val807Phe; replaces valine 807 with phenylalanine.
Molecular consequence: missense variant.
Genome position (GRCh38, 1-based): chr20:32,435,131, G>T. VCF-style: chr20-32435131-G-T. GRCh37 (hg19) VCF-style: chr20-31022934-G-T.
Other names: c.2236G>T, p.Val746Phe (NM_001363734.1); short protein forms V746F, V807F.
Identifiers: ClinVar variation 3791818 (VCV003791818.1).

ClinVar aggregate classification (germline): Uncertain significance (1 of 4 stars; one submission).

Conditions:
Inborn genetic diseases. Identifiers: MedGen C0950123, MeSH D030342.

gnomAD v4.1: 4 of 1,613,962 alleles (0.00025%); highest among the groups gnomAD compares: Non-Finnish European, 0.00034%; no homozygotes.

Submission:

Ambry Genetics
Classification: Uncertain significance for Inborn genetic diseases. Last evaluated: 2025-01-02. Review status: criteria provided, single submitter. Criteria: Ambry Variant Classification Scheme 2023. Collection method: clinical testing. Allele origin: germline.
Comment: The p.V807F variant (also known as c.2419G>T), located in coding exon 13 of the ASXL1 gene, results from a G to T substitution at nucleotide position 2419. The valine at codon 807 is replaced by phenylalanine, an amino acid with highly similar properties. This amino acid position is conserved. In addition, this alteration is predicted to be tolerated by in silico analysis. Based on the available evidence, the clinical significance of this variant remains unclear.